The following is an entry in ClinVar:

NC_000017.11:g.(?_31374003)_(31374155_?)dup

Gene: NF1 (neurofibromin 1; plus strand). Cytogenetic location: 17q11.2.
Variant type: Duplication.
Identifiers: ClinVar variation 832917 (VCV000832917.2).

ClinVar aggregate classification (germline): Uncertain significance (1 of 4 stars; one submission).

Conditions:
Neurofibromatosis, type 1 (NF1). Also called: Peripheral type neurofibromatosis; Neurofibromatosis, type I; VON RECKLINGHAUSEN DISEASE; NEUROFIBROMATOSIS, TYPE I, SOMATIC. Identifiers: Orphanet 636, MedGen C0027831, MONDO:0018975, OMIM 162200. Disease mechanism: loss of function.

Submission:

Labcorp Genetics (formerly Invitae), Labcorp
Classification: Uncertain significance for Neurofibromatosis, type 1. Last evaluated: 2022-10-10. Review status: criteria provided, single submitter. Criteria: Invitae Variant Classification Sherloc (09022015). Collection method: clinical testing. Allele origin: germline.
Comment: This variant results in a copy number gain of the genomic region encompassing exon(s) 57 of the NF1 gene. This region includes the termination codon of the gene. This copy number gain extends beyond the assayed region for this gene and therefore may encompass additional genes. As the precise location of this event is unknown, it may be in tandem or it may be located elsewhere in the genome. This variant has not been reported in the literature in individuals affected with NF1-related conditions. Experimental studies and prediction algorithms are not available or were not evaluated, and the functional significance of this variant is currently unknown. In summary, the available evidence is currently insufficient to determine the role of this variant in disease. Therefore, it has been classified as a Variant of Uncertain Significance.